The following is an entry in ClinVar:

NM_152490.5(B3GALNT2):c.1368+1G>A

Gene: B3GALNT2 (beta-1,3-N-acetylgalactosaminyltransferase 2; minus strand). Cytogenetic location: 1q42.3.
Variant type: single nucleotide variant.
Coding change: c.1368+1G>A on transcript NM_152490.5 (MANE Select); the canonical splice donor site of the intron after coding-DNA position 1368, G replaced by A.
Molecular consequence: splice donor variant.
Genome position (GRCh38, 1-based): chr1:235,453,089, C>T on the plus strand (G>A on the coding strand, the complement: B3GALNT2 is on the minus strand). VCF-style: chr1-235453089-C-T. GRCh37 (hg19) VCF-style: chr1-235616401-C-T.
Identifiers: ClinVar variation 1404510 (VCV001404510.8), dbSNP rs1479230229, ClinGen allele CA344955985.

ClinVar aggregate classification (germline): Conflicting classifications of pathogenicity. Review status: criteria provided, conflicting classifications (1 of 4 stars). 2 submissions from 2 submitters: Pathogenic (1); Uncertain significance (1). Last evaluated 2023-07-17.

Conditions:
Muscular dystrophy-dystroglycanopathy (congenital with brain and eye anomalies), type a, 11 (MDDGA11). Also called: WALKER-WARBURG SYNDROME OR MUSCLE-EYE-BRAIN DISEASE, B3GALNT2-RELATED; Congenital muscular dystrophy-dystroglycanopathy with brain and eye anomalies, type A11; Muscular dystrophy-dystroglycanopathy (congenital with brain and eye anomalies, type A, 11. Identifiers: Orphanet 588, Orphanet 899, MedGen C3554638, MONDO:0014071, OMIM 615181.

Allele frequency attached by ClinVar (database versions not stated): gnomAD exomes below 0.00001; TOPMed below 0.00001; gnomAD 0.00001.
gnomAD v4.1: 3 of 1,609,300 alleles (0.00019%); highest among the groups gnomAD compares: Admixed American, 0.0017%; no homozygotes.

Submissions (2):

Labcorp Genetics (formerly Invitae), Labcorp
Classification: Pathogenic for Muscular dystrophy-dystroglycanopathy (congenital with brain and eye anomalies), type a, 11. Last evaluated: 2023-07-17. Review status: criteria provided, single submitter. Criteria: Invitae Variant Classification Sherloc (09022015). Collection method: clinical testing. Allele origin: germline.
Comment: Variants that disrupt the consensus splice site are a relatively common cause of aberrant splicing (PMID: 17576681, 9536098). Algorithms developed to predict the effect of sequence changes on RNA splicing suggest that this variant may disrupt the consensus splice site. For these reasons, this variant has been classified as Pathogenic. This variant disrupts a region of the B3GALNT2 protein in which other variant(s) (p.Pro474del) have been determined to be pathogenic (PMID: 26663670, 33290285). This suggests that this is a clinically significant region of the protein, and that variants that disrupt it are likely to be disease-causing. ClinVar contains an entry for this variant (Variation ID: 1404510). This variant has not been reported in the literature in individuals affected with B3GALNT2-related conditions. This variant is not present in population databases (gnomAD no frequency). This sequence change affects a donor splice site in intron 11 of the B3GALNT2 gene. While this variant is not anticipated to result in nonsense mediated decay, it likely alters RNA splicing and results in a disrupted protein product.

Revvity Omics, Revvity
Classification: Uncertain significance for Muscular dystrophy-dystroglycanopathy (congenital with brain and eye anomalies), type a, 11. Last evaluated: 2021-09-09. Review status: criteria provided, single submitter. Criteria: ACMG Guidelines, 2015. Collection method: clinical testing. Allele origin: germline.

Literature cited by the submitters: PubMed 17576681 (cited by Labcorp Genetics (formerly Invitae), Labcorp); PubMed 9536098 (cited by Labcorp Genetics (formerly Invitae), Labcorp); PubMed 26663670 (cited by Labcorp Genetics (formerly Invitae), Labcorp); PubMed 33290285 (cited by Labcorp Genetics (formerly Invitae), Labcorp).